The following is an entry in ClinVar:

ClinVar aggregate classification (germline): Uncertain significance (1 of 4 stars; one submission).

Submission:

Labcorp Genetics (formerly Invitae), Labcorp
Classification: Uncertain significance. Last evaluated: 2021-11-02. Review status: criteria provided, single submitter. Criteria: Invitae Variant Classification Sherloc (09022015). Collection method: clinical testing. Allele origin: germline.
Comment: In summary, the available evidence is currently insufficient to determine the role of this variant in disease. Therefore, it has been classified as a Variant of Uncertain Significance. Algorithms developed to predict the effect of missense changes on protein structure and function are either unavailable or do not agree on the potential impact of this missense change (SIFT: "Deleterious"; PolyPhen-2: "Probably Damaging"; Align-GVGD: "Class C0"). This missense change has been observed in individual(s) with clinical features of cerebellar ataxia, intellectual disability and dysequilibrium syndrome (PMID: 28940097). This variant is not present in population databases (gnomAD no frequency). This sequence change replaces histidine, which is basic and polar, with proline, which is neutral and non-polar, at codon 867 of the ATP8A2 protein (p.His867Pro).

Literature cited by the submitters: PubMed 28940097.

NM_016529.6(ATP8A2):c.2600A>C (p.His867Pro)

Gene: ATP8A2 (ATPase phospholipid transporting 8A2). Cytogenetic location: 13q12.13.
Variant type: single nucleotide variant.
Coding change: c.2600A>C on transcript NM_016529.6 (MANE Select); coding-DNA position 2600, A replaced by C.
Protein change: p.His867Pro; replaces histidine 867 with proline.
Molecular consequence: missense variant.
Genome position (GRCh38, 1-based): chr13:25,774,880, A>C. VCF-style: chr13-25774880-A-C. GRCh37 (hg19) VCF-style: chr13-26349018-A-C.
Other names: c.2480A>C, p.His827Pro (NM_001313741.1); short protein forms H827P, H867P.
Identifiers: ClinVar variation 1448964 (VCV001448964.6), dbSNP rs2044707017, ClinGen allele CA387681490.
Genomic context (GRCh38, chr13:25,774,880, plus strand): 5'-TTCTGAGCTTTGTAATTTTCCTTTTTCAGTTTTCCTACTTAGAGAAGCTTCTGTTGGTTC[A>C]TGGAGCCTGGAGCTACAACCGGGTGACCAAGTGCATCTTGTACTGCTTCTATAAGAACGT-3'
Protein context (NP_057613.4, residues 857-877): FSYLEKLLLV[His867Pro]GAWSYNRVTK